The following is an entry in ClinVar:

ClinVar aggregate classification (germline): Pathogenic (1 of 4 stars; one submission).

Submission:

Labcorp Genetics (formerly Invitae), Labcorp
Classification: Pathogenic. Last evaluated: 2024-03-13. Review status: criteria provided, single submitter. Criteria: Invitae Variant Classification Sherloc (09022015). Collection method: clinical testing. Allele origin: germline.
Comment: This sequence change creates a premature translational stop signal (p.Trp166*) in the RLBP1 gene. It is expected to result in an absent or disrupted protein product. Loss-of-function variants in RLBP1 are known to be pathogenic (PMID: 2392416, 11301032, 21447491, 25429852). This variant is not present in population databases (gnomAD no frequency). This variant has not been reported in the literature in individuals affected with RLBP1-related conditions. For these reasons, this variant has been classified as Pathogenic.

Literature cited by the submitters: PubMed 2392416; PubMed 11301032; PubMed 21447491; PubMed 25429852.

NM_000326.5(RLBP1):c.498G>A (p.Trp166Ter)

Gene: RLBP1 (retinaldehyde binding protein 1; minus strand). Cytogenetic location: 15q26.1.
Variant type: single nucleotide variant.
Coding change: c.498G>A on transcript NM_000326.5 (MANE Select); coding-DNA position 498, G replaced by A.
Protein change: p.Trp166Ter; replaces tryptophan 166 with a stop codon.
Molecular consequence: nonsense.
Genome position (GRCh38, 1-based): chr15:89,215,087, C>T on the plus strand (G>A on the coding strand, the complement: RLBP1 is on the minus strand). VCF-style: chr15-89215087-C-T. GRCh37 (hg19) VCF-style: chr15-89758318-C-T.
Other names: short protein forms W166*.
Identifiers: ClinVar variation 3644722 (VCV003644722.2).